The following is an entry in ClinVar:

NM_024753.5(TTC21B):c.1564A>G (p.Asn522Asp)

Gene: TTC21B (tetratricopeptide repeat domain 21B; minus strand). Cytogenetic location: 2q24.3.
Variant type: single nucleotide variant.
Coding change: c.1564A>G on transcript NM_024753.5 (MANE Select); coding-DNA position 1564, A replaced by G.
Protein change: p.Asn522Asp; replaces asparagine 522 with aspartic acid.
Molecular consequence: missense variant.
Genome position (GRCh38, 1-based): chr2:165,919,386, T>C on the plus strand (A>G on the coding strand, the complement: TTC21B is on the minus strand). VCF-style: chr2-165919386-T-C. GRCh37 (hg19) VCF-style: chr2-166775896-T-C.
Other names: short protein forms N522D.
Identifiers: ClinVar variation 4997391 (VCV004997391.1).
Genomic context (GRCh38, chr2:165,919,386, plus strand): 5'-CTTTTTCTTGAGACAAGTAAACCTGAGCTAGCAGCAGATGAGCATCAGCATAAGAGGGAT[T>C]GTGTTCTAAGCAGTGCTGAAGGTTATTGAAAGCTGCTTCAATATCACCTAATAAGAAAAA-3'
Protein context (NP_079029.3, residues 512-532): FNNLQHCLEH[Asn522Asp]PSYADAHLLL

ClinVar aggregate classification (germline): Uncertain significance (1 of 4 stars; one submission).

Conditions:
TTC21B-related disorder. Also called: TTC21B-related disorders; TTC21B-related condition.

gnomAD v4.1: 4 of 1,613,930 alleles (0.00025%); highest among the groups gnomAD compares: African/African-American, 0.004%; no homozygotes.

Submission:

PreventionGenetics, part of Exact Sciences
Classification: Uncertain significance for TTC21B-related condition. Last evaluated: 2025-05-21. Review status: criteria provided, single submitter. Criteria: ACMG Guidelines, 2015. Collection method: clinical testing. Allele origin: germline.
Comment: The TTC21B c.1564A>G variant is predicted to result in the amino acid substitution p.Asn522Asp. To our knowledge, this variant has not been reported in the literature. This variant is reported in 0.0080% of alleles in individuals of African descent in gnomAD. At this time, the clinical significance of this variant is uncertain due to the absence of conclusive functional and genetic evidence.